The following is an entry in ClinVar:

ClinVar aggregate classification (germline): Benign/Likely benign. Review status: criteria provided, multiple submitters, no conflicts (2 of 4 stars). 3 submissions from 3 submitters: Benign (2); Likely benign (1). Last evaluated 2026-01-26.

Conditions:
Mucopolysaccharidosis, MPS-III-C (MPS3C). Also called: MPS IIIC (Sanfilippo Syndrome Type C); MPS III C; MUCOPOLYSACCHARIDOSIS, TYPE IIIC; SANFILIPPO SYNDROME C; Mucopolysaccharidosis type IIIC (Sanfilippo C); mucopolysaccharidosis type 3C. Identifiers: Orphanet 581, Orphanet 79271, MedGen C0086649, MONDO:0009657, OMIM 252930.
Retinitis pigmentosa 73 (RP73). Identifiers: Orphanet 791, MedGen C4225287, MONDO:0014687, OMIM 616544.

Allele frequency attached by ClinVar (database versions not stated): 1000 Genomes Project 0.00100; ESP Exome Variant Server 0.00108; 1000 Genomes Project 30x 0.00109; TOPMed 0.00112.
gnomAD v4.1: 264 of 1,604,144 alleles (0.016%); highest among the groups gnomAD compares: African/African-American, 0.29%; 1 homozygote.

Submissions (3):

Labcorp Genetics (formerly Invitae), Labcorp
Classification: Benign for Retinitis pigmentosa 73; Mucopolysaccharidosis, MPS-III-C. Last evaluated: 2026-01-26. Review status: criteria provided, single submitter. Criteria: Invitae Variant Classification Sherloc (09022015). Collection method: clinical testing. Allele origin: germline.

Blueprint Genetics
Classification: Likely benign. Last evaluated: 2024-11-21. Review status: criteria provided, single submitter. Criteria: ACMG Guidelines, 2015. Collection method: clinical testing. Allele origin: germline.

Women's Health and Genetics/Laboratory Corporation of America, LabCorp
Classification: Benign. Last evaluated: 2018-09-17. Review status: criteria provided, single submitter. Criteria: LabCorp Variant Classification Summary - May 2015. Collection method: clinical testing. Allele origin: germline.
Comment: Variant summary: HGSNAT c.204C>T alters a non-conserved nucleotide resulting in a synonymous change. 5/5 computational tools predict no significant impact on normal splicing. However, these predictions have yet to be confirmed by functional studies. The variant allele was found at a frequency of 0.00032 in 269948 control chromosomes, predominantly at a frequency of 0.0032 within the African subpopulation in the gnomAD database, including 1 homozygotes. The observed variant frequency within African control individuals in the gnomAD database is approximately 3-folds higher than the estimated maximal expected allele frequency for a pathogenic variant in HGSNAT causing Mucopolysaccharidosis Type IIIC (Sanfilippo Syndrome C) phenotype (0.001), strongly suggesting that the variant is a benign polymorphism found primarily in populations of African origin. To our knowledge, no occurrence of c.204C>T in individuals affected with Mucopolysaccharidosis Type IIIC (Sanfilippo Syndrome C) and no experimental evidence demonstrating its impact on protein function have been reported. No clinical diagnostic laboratories have submitted clinical-significance assessments for this variant to ClinVar after 2014. Based on the evidence outlined above, the variant was classified as benign.

NM_152419.3(HGSNAT):c.204C>T (p.Thr68=)

Gene: HGSNAT (heparan-alpha-glucosaminide N-acetyltransferase; plus strand). Cytogenetic location: 8p11.21.
Variant type: single nucleotide variant.
Coding change: c.204C>T on transcript NM_152419.3 (MANE Select); coding-DNA position 204, C replaced by T.
Protein change: p.Thr68=; no amino-acid change (threonine 68 retained).
Molecular consequence: synonymous variant. On other transcripts: 5 prime UTR variant (1).
Genome position (GRCh38, 1-based): chr8:43,147,033, C>T. VCF-style: chr8-43147033-C-T. GRCh37 (hg19) VCF-style: chr8-43002176-C-T.
Other names: c.204C>T, p.Thr68= (NM_001363227.2, NM_001363228.2); c.-630C>T (NM_001363229.2).
Identifiers: ClinVar variation 632856 (VCV000632856.12), dbSNP rs199816365, ClinGen allele CA4736444.
Genomic context (GRCh38, chr8:43,147,033, plus strand): 5'-GCTGAAGATGGATCAGGCTTTGCTACTCATCCATAATGAACTTCTCTGGACCAACTTGAC[C>T]GTCTACTGGAAATCTGAATGCTGTTATCACGTATGTATCAGTTCACACTCAGTTCTGTTT-3'
Protein context (NP_689632.2, residues 58-78): IHNELLWTNL[Thr68=]VYWKSECCYH